The following is an entry in ClinVar:

ClinVar aggregate classification (germline): Uncertain significance. Review status: criteria provided, multiple submitters, no conflicts (2 of 4 stars). 2 submissions from 2 submitters: Uncertain significance (2). Last evaluated 2025-11-26.

Allele frequency attached by ClinVar (database versions not stated): gnomAD exomes 0.00003.

Submissions (2):

Ambry Genetics
Classification: Uncertain significance. Last evaluated: 2025-11-26. Review status: criteria provided, single submitter. Criteria: Ambry Variant Classification Scheme 2023. Collection method: clinical testing. Allele origin: germline.

Labcorp Genetics (formerly Invitae), Labcorp
Classification: Uncertain significance. Last evaluated: 2024-03-18. Review status: criteria provided, single submitter. Criteria: Invitae Variant Classification Sherloc (09022015). Collection method: clinical testing. Allele origin: germline.
Comment: This sequence change replaces histidine, which is basic and polar, with arginine, which is basic and polar, at codon 902 of the DRP2 protein (p.His902Arg). This variant is not present in population databases (gnomAD no frequency). This variant has not been reported in the literature in individuals affected with DRP2-related conditions. Advanced modeling of protein sequence and biophysical properties (such as structural, functional, and spatial information, amino acid conservation, physicochemical variation, residue mobility, and thermodynamic stability) performed at Invitae indicates that this missense variant is not expected to disrupt DRP2 protein function with a negative predictive value of 80%. In summary, the available evidence is currently insufficient to determine the role of this variant in disease. Therefore, it has been classified as a Variant of Uncertain Significance.

NM_001939.3(DRP2):c.2705A>G (p.His902Arg)

Gene: DRP2 (dystrophin related protein 2; plus strand). Cytogenetic location: Xq22.1.
Variant type: single nucleotide variant.
Coding change: c.2705A>G on transcript NM_001939.3 (MANE Select); coding-DNA position 2705, A replaced by G.
Protein change: p.His902Arg; replaces histidine 902 with arginine.
Molecular consequence: missense variant.
Genome position (GRCh38, 1-based): chrX:101,260,125, A>G. VCF-style: chrX-101260125-A-G. GRCh37 (hg19) VCF-style: chrX-100515114-A-G.
Other names: c.2471A>G, p.His824Arg (NM_001171184.2); c.2705A>G (NM_001939.2); short protein forms H902R, H824R.
Identifiers: ClinVar variation 2967484 (VCV002967484.4), dbSNP rs35153475, ClinGen allele CA413913643.
Genomic context (GRCh38, chrX:101,260,125, plus strand): 5'-ATGGCAGTGGCTCTGCAGGCTCGTCCCTAGCTTCCTCTCCACAGCAGTCAGAAGGCAGTC[A>G]CCCCCGGGAGAAGGGACAGACTACTCCAGATACCGAGGCTGCAGGTGAGTTCCCCTGGCC-3'
Protein context (NP_001930.2, residues 892-912): ASSPQQSEGS[His902Arg]PREKGQTTPD